The following is an entry in ClinVar:

NM_000397.4(CYBB):c.310G>T (p.Val104Leu)

Gene: CYBB (cytochrome b-245 beta chain; plus strand). Cytogenetic location: Xp21.1.
Variant type: single nucleotide variant.
Coding change: c.310G>T on transcript NM_000397.4 (MANE Select); coding-DNA position 310, G replaced by T.
Protein change: p.Val104Leu; replaces valine 104 with leucine.
Molecular consequence: missense variant.
Genome position (GRCh38, 1-based): chrX:37,792,032, G>T. VCF-style: chrX-37792032-G-T. GRCh37 (hg19) VCF-style: chrX-37651285-G-T.
Other names: short protein forms V104L.
Identifiers: ClinVar variation 3663134 (VCV003663134.2).

ClinVar aggregate classification (germline): Uncertain significance (1 of 4 stars; one submission).

Conditions:
Granulomatous disease, chronic, X-linked. Also called: CYTOCHROME b-NEGATIVE GRANULOMATOUS DISEASE, CHRONIC, X-LINKED; GRANULOMATOUS DISEASE, CHRONIC, X-LINKED, SOMATIC MOSAIC. Identifiers: Orphanet 379, MedGen C1844376, MONDO:0010600, OMIM 306400.

Submission:

Labcorp Genetics (formerly Invitae), Labcorp
Classification: Uncertain significance for Granulomatous disease, chronic, X-linked. Last evaluated: 2024-11-27. Review status: criteria provided, single submitter. Criteria: Invitae Variant Classification Sherloc (09022015). Collection method: clinical testing. Allele origin: germline.
Comment: This sequence change replaces valine, which is neutral and non-polar, with leucine, which is neutral and non-polar, at codon 104 of the CYBB protein (p.Val104Leu). This variant is not present in population databases (gnomAD no frequency). This variant has not been reported in the literature in individuals affected with CYBB-related conditions. Invitae Evidence Modeling of protein sequence and biophysical properties (such as structural, functional, and spatial information, amino acid conservation, physicochemical variation, residue mobility, and thermodynamic stability) indicates that this missense variant is not expected to disrupt CYBB protein function with a negative predictive value of 80%. In summary, the available evidence is currently insufficient to determine the role of this variant in disease. Therefore, it has been classified as a Variant of Uncertain Significance.